The following is an entry in ClinVar:

ClinVar aggregate classification (germline): Likely pathogenic (1 of 4 stars; one submission).

Allele frequency attached by ClinVar (database versions not stated): gnomAD exomes below 0.00001.
gnomAD v4.1: 3 of 1,605,916 alleles (0.00019%); highest among the groups gnomAD compares: Non-Finnish European, 0.00026%; no homozygotes.

Submission:

GeneDx
Classification: Likely pathogenic. Last evaluated: 2022-06-14. Review status: criteria provided, single submitter. Criteria: GeneDx Variant Classification Process June 2021. Collection method: clinical testing. Allele origin: germline. Affected: yes.
Comment: Canonical splice site variant predicted to result in a null allele in a gene for which loss-of-function is a known mechanism of disease; Reliable data are not available in large population cohorts to assess the frequency of this variant in publicly available databases;; Has not been previously published as pathogenic or benign to our knowledge

NM_002941.4(ROBO1):c.2840-2A>G

Gene: ROBO1 (roundabout guidance receptor 1; minus strand). Cytogenetic location: 3p12.3.
Variant type: single nucleotide variant.
Coding change: c.2840-2A>G on transcript NM_002941.4 (MANE Select); the canonical splice acceptor site of the intron before coding-DNA position 2840, A replaced by G.
Molecular consequence: splice acceptor variant.
Genome position (GRCh38, 1-based): chr3:78,646,192, T>C on the plus strand (A>G on the coding strand, the complement: ROBO1 is on the minus strand). VCF-style: chr3-78646192-T-C. GRCh37 (hg19) VCF-style: chr3-78695342-T-C.
Other names: c.2705-2A>G (NM_001145845.2, NM_133631.4).
Identifiers: ClinVar variation 1691767 (VCV001691767.2), dbSNP rs2107594330, ClinGen allele CA353657358.